The following is an entry in ClinVar:

ClinVar aggregate classification (germline): Likely pathogenic (1 of 4 stars; one submission).

Conditions:
Basal cell nevus syndrome 1 (BCNS1). Also called: GORLIN-GOLTZ SYNDROME; MULTIPLE BASAL CELL NEVI, ODONTOGENIC KERATOCYSTS, AND SKELETAL ANOMALIES. Identifiers: MedGen CN376810, MONDO:0958174, OMIM 109400.

Submission:

CGC Genetics, Unilabs
Classification: Likely pathogenic for Basal cell nevus syndrome 1. Last evaluated: 2026-03-10. Review status: criteria provided, single submitter. Criteria: ACMG Guidelines, 2015. Collection method: clinical testing. Allele origin: germline. Inheritance: Autosomal dominant inheritance. Affected: yes. Observed: 1 variant allele.
Comment: The NM_000264.5:c.946-2A>G p.? variant, detected in heterozygosity in the PTCH1 gene, has not been previously described in the literature or reported in the ClinVar and gnomAD v4.1.1 databases. This variant is located at a canonical splice acceptor site in intron 6 (out of 24 exons) and is highly likely to affect splicing of exon 7. Based on the currently available information, this variant should be classified as likely pathogenic.

NM_000264.5(PTCH1):c.946-2A>G

Gene: PTCH1 (patched 1; minus strand). Cytogenetic location: 9q22.32.
Variant type: single nucleotide variant.
Coding change: c.946-2A>G on transcript NM_000264.5 (MANE Select); the canonical splice acceptor site of the intron before coding-DNA position 946, A replaced by G.
Molecular consequence: splice acceptor variant.
Genome position (GRCh38, 1-based): chr9:95,480,092, T>C on the plus strand (A>G on the coding strand, the complement: PTCH1 is on the minus strand). VCF-style: chr9-95480092-T-C. GRCh37 (hg19) VCF-style: chr9-98242374-T-C.
Other names: c.943-2A>G (NM_001083603.3); c.748-2A>G (NM_001083602.3); c.946-2A>G (NM_001354918.2); c.493-2A>G (NM_001083605.3, NM_001083604.3, NM_001083606.3 and 1 more transcripts).
Identifiers: ClinVar variation 4851605 (VCV004851605.1).